The following is an entry in ClinVar:

ClinVar aggregate classification (germline): Benign. Review status: criteria provided, single submitter (1 of 4 stars). 2 submissions from 2 submitters: Benign (1). 1 of the submissions does not count toward it. Last evaluated 2022-10-01.

Conditions:
ABCA13-related disorder. Also called: ABCA13-related condition.

Allele frequency attached by ClinVar (database versions not stated): 1000 Genomes Project 0.00120; 1000 Genomes Project 30x 0.00172; ExAC 0.00250; gnomAD 0.00261; TOPMed 0.00314; ESP Exome Variant Server 0.00331.
gnomAD v4.1: 4,853 of 1,613,374 alleles (0.3%); highest among the groups gnomAD compares: Middle Eastern, 0.81%; 17 homozygotes.

Submissions (2):

CeGaT Center for Human Genetics Tuebingen
Classification: Benign. Last evaluated: 2022-10-01. Review status: criteria provided, single submitter. Criteria: CeGaT Center For Human Genetics Tuebingen Variant Classification Criteria Version 2. Collection method: clinical testing. Allele origin: germline. Affected: yes. Observed: 1 variant allele.
Comment: ABCA13: BS1, BS2

PreventionGenetics, part of Exact Sciences
Classification: Likely benign for ABCA13-related condition. Last evaluated: 2023-02-21. Review status: no assertion criteria provided. Collection method: clinical testing. Allele origin: germline. Not counted in ClinVar's aggregate classification.
Comment: This variant is classified as likely benign based on ACMG/AMP sequence variant interpretation guidelines (Richards et al. 2015 PMID: 25741868, with internal and published modifications).

NM_152701.5(ABCA13):c.7823T>G (p.Ile2608Arg)

Gene: ABCA13 (ATP binding cassette subfamily A member 13; plus strand). Cytogenetic location: 7p12.3.
Variant type: single nucleotide variant.
Coding change: c.7823T>G on transcript NM_152701.5 (MANE Select); coding-DNA position 7823, T replaced by G.
Protein change: p.Ile2608Arg; replaces isoleucine 2608 with arginine.
Molecular consequence: missense variant.
Genome position (GRCh38, 1-based): chr7:48,279,017, T>G. VCF-style: chr7-48279017-T-G. GRCh37 (hg19) VCF-style: chr7-48318614-T-G.
Other names: c.7823T>G (NM_152701.4); short protein forms I2608R.
Identifiers: ClinVar variation 2657479 (VCV002657479.25), dbSNP rs190991016, ClinGen allele CA4257603.